The following is an entry in ClinVar:

NM_030665.4(RAI1):c.4415C>T (p.Ala1472Val)

Gene: RAI1 (retinoic acid induced 1; plus strand). Cytogenetic location: 17p11.2.
Variant type: single nucleotide variant.
Coding change: c.4415C>T on transcript NM_030665.4 (MANE Select); coding-DNA position 4415, C replaced by T.
Protein change: p.Ala1472Val; replaces alanine 1472 with valine.
Molecular consequence: missense variant.
Genome position (GRCh38, 1-based): chr17:17,797,363, C>T. VCF-style: chr17-17797363-C-T. GRCh37 (hg19) VCF-style: chr17-17700677-C-T.
Other names: short protein forms A1472V.
Identifiers: ClinVar variation 4766759 (VCV004766759.1).

ClinVar aggregate classification (germline): Uncertain significance (1 of 4 stars; one submission).

Submission:

Labcorp Genetics (formerly Invitae), Labcorp
Classification: Uncertain significance. Last evaluated: 2025-09-10. Review status: criteria provided, single submitter. Criteria: Invitae Variant Classification Sherloc (09022015). Collection method: clinical testing. Allele origin: germline.
Comment: This sequence change replaces alanine, which is neutral and non-polar, with valine, which is neutral and non-polar, at codon 1472 of the RAI1 protein (p.Ala1472Val). This variant is not present in population databases (gnomAD no frequency). This variant has not been reported in the literature in individuals affected with RAI1-related conditions. Invitae Evidence Modeling of protein sequence and biophysical properties (such as structural, functional, and spatial information, amino acid conservation, physicochemical variation, residue mobility, and thermodynamic stability) indicates that this missense variant is not expected to disrupt RAI1 protein function with a negative predictive value of 80%. In summary, the available evidence is currently insufficient to determine the role of this variant in disease. Therefore, it has been classified as a Variant of Uncertain Significance.